The following is an entry in ClinVar:

ClinVar aggregate classification (germline): Likely pathogenic (1 of 4 stars; one submission).

Submission:

ARUP Laboratories, Molecular Genetics and Genomics, ARUP Laboratories
Classification: Likely pathogenic. Last evaluated: 2019-05-08. Review status: criteria provided, single submitter. Criteria: ARUP Molecular Germline Variant Investigation Process. Collection method: clinical testing. Allele origin: germline.
Comment: The FLNB c.502G>T; p.Gly168Cys variant has been described in at least one individual with atelosteogenesis type III (Daniel 2012). It is absent from general population databases (Exome Variant Server and Genome Aggregation Database), indicating it is not a common polymorphism. The glycine at codon 168 is highly conserved in the CH2 domain, and computational algorithms (PolyPhen-2, SIFT) predict that this variant is deleterious. Additionally, other variants at this codon (c.502G>A; p.Gly168Ser and c.503G>T; p.Gly168Val) have been described in individuals affected with FLNB-related disorders, such as atelosteogenesis types I and III and Larsen syndrome (Bicknell 2007, Daniel 2012, Farrington-Rock 2006). Based on available information, the p.Gly168Cys variant is considered likely pathogenic. REFERNECES Bicknell L et al. A molecular and clinical study of Larsen syndrome caused by mutations in FLNB. J Med Genet. 2007 Feb;44(2):89-98. Daniel P et al. Disease-associated mutations in the actin-binding domain of filamin B cause cytoplasmic focal accumulations correlating with disease severity. Hum Mutat. 2012 Apr;33(4):665-73. Farrington-Rock C et al. Mutations in two regions of FLNB result in atelosteogenesis I and III. Hum Mutat. 2006 Jul;27(7):705-10.

NM_001457.4(FLNB):c.502G>T (p.Gly168Cys)

Gene: FLNB (filamin B; plus strand). Cytogenetic location: 3p14.3.
Variant type: single nucleotide variant.
Coding change: c.502G>T on transcript NM_001457.4 (MANE Select); coding-DNA position 502, G replaced by T.
Protein change: p.Gly168Cys; replaces glycine 168 with cysteine.
Molecular consequence: missense variant.
Genome position (GRCh38, 1-based): chr3:58,077,255, G>T. VCF-style: chr3-58077255-G-T. GRCh37 (hg19) VCF-style: chr3-58062982-G-T.
Other names: c.502G>T, p.Gly168Cys (NM_001164317.2, NM_001164318.2, NM_001164319.2); short protein forms G168C.
Identifiers: ClinVar variation 812028 (VCV000812028.8), dbSNP rs80356504, ClinGen allele CA353333575.